The following is an entry in ClinVar:

ClinVar aggregate classification (germline): Benign. Review status: criteria provided, multiple submitters, no conflicts (2 of 4 stars). 9 submissions from 8 submitters: Benign (9). Last evaluated 2026-06-17.

Conditions:
Hereditary cancer-predisposing syndrome. Also called: Neoplastic Syndromes, Hereditary; Hereditary neoplastic syndrome; Hereditary Cancer Syndrome; Tumor predisposition. Identifiers: Orphanet 140162, MedGen C0027672, MeSH D009386, MONDO:0015356.
Polyps, multiple and recurrent inflammatory fibroid, gastrointestinal. Identifiers: MedGen C5193005, MONDO:0008285, OMIM 175510.
Idiopathic hypereosinophilic syndrome (HES). Identifiers: Orphanet 3260, MedGen C0206141, MONDO:0011895, OMIM 607685. Disease mechanism: gain of function.
Gastrointestinal stromal tumor. Also called: Gastrointestinal stromal tumor, somatic; Gastrointestinal stroma tumor. Identifiers: Orphanet 44890, MedGen C0238198, MeSH D046152, MONDO:0011719, OMIM 606764, HP:0100723.

Allele frequency attached by ClinVar (database versions not stated): ExAC 0.15830; gnomAD exomes 0.15946; ESP Exome Variant Server 0.16615; gnomAD 0.17498 and 0.17567; TOPMed 0.18733; 1000 Genomes Project 0.22804; 1000 Genomes Project 30x 0.23126.
gnomAD v4.1: 203,254 of 1,612,388 alleles (13%); highest among the groups gnomAD compares: African/African-American, 31%; 16,013 homozygotes.

Submissions (9):

Myriad Genetics, Inc.
Classification: Benign for Polyps, multiple and recurrent inflammatory fibroid, gastrointestinal. Last evaluated: 2026-06-17. Review status: criteria provided, single submitter. Criteria: Myriad Autosomal Dominant, Autosomal Recessive and X-Linked Classification Criteria (2023). Collection method: clinical testing. Allele origin: unknown.
Comment: This variant is considered benign. This variant is a silent/synonymous amino acid change and it is not expected to impact splicing.

Labcorp Genetics (formerly Invitae), Labcorp
Classification: Benign for Gastrointestinal stromal tumor. Last evaluated: 2026-02-04. Review status: criteria provided, single submitter. Criteria: Invitae Variant Classification Sherloc (09022015). Collection method: clinical testing. Allele origin: germline.

Mayo Clinic Laboratories, Mayo Clinic
Classification: Benign. Last evaluated: 2022-04-26. Review status: criteria provided, single submitter. Criteria: ACMG Guidelines, 2015. Collection method: clinical testing. Allele origin: germline. Observed: 120 variant alleles.

Ambry Genetics
Classification: Benign for Hereditary cancer-predisposing syndrome. Last evaluated: 2019-05-08. Review status: criteria provided, single submitter. Criteria: Ambry Variant Classification Scheme 2023. Collection method: clinical testing. Allele origin: germline.

GeneDx
Classification: Benign. Last evaluated: 2018-06-22. Review status: criteria provided, single submitter. Criteria: GeneDx Variant Classification Process June 2021. Collection method: clinical testing. Allele origin: germline. Affected: yes.

Illumina Laboratory Services, Illumina
Classification: Benign for Gastrointestinal stromal tumor. Last evaluated: 2018-01-13. Review status: criteria provided, single submitter. Criteria: ICSL Variant Classification Criteria 13 December 2019. Collection method: clinical testing. Allele origin: germline.
Comment: This variant was observed in the ICSL laboratory as part of a predisposition screen in an ostensibly healthy population. It had not been previously curated by ICSL or reported in the Human Gene Mutation Database (HGMD: prior to June 1st, 2018), and was therefore a candidate for classification through an automated scoring system. Utilizing variant allele frequency, disease prevalence and penetrance estimates, and inheritance mode, an automated score was calculated to assess if this variant is too frequent to cause the disease. Based on the score and internal cut-off values, a variant classified as benign is not then subjected to further curation. The score for this variant resulted in a classification of benign for this disease.

Illumina Laboratory Services, Illumina
Classification: Benign for Idiopathic hypereosinophilic syndrome. Last evaluated: 2018-01-13. Review status: criteria provided, single submitter. Criteria: ICSL Variant Classification Criteria 13 December 2019. Collection method: clinical testing. Allele origin: germline.
Comment: the same text as in the submission from Illumina Laboratory Services, Illumina above.

Breakthrough Genomics
Classification: Benign. Review status: criteria provided, single submitter. Criteria: ACMG Guidelines, 2015. Collection method: not provided. Allele origin: germline. Inheritance: Autosomal dominant inheritance. Affected: yes.

PreventionGenetics, part of Exact Sciences
Classification: Benign. Review status: criteria provided, single submitter. Criteria: ACMG Guidelines, 2015. Collection method: clinical testing. Allele origin: germline.

NM_006206.6(PDGFRA):c.1809G>A (p.Ala603=)

Gene: PDGFRA (platelet derived growth factor receptor alpha; plus strand). Cytogenetic location: 4q12.
Variant type: single nucleotide variant.
Coding change: c.1809G>A on transcript NM_006206.6 (MANE Select); coding-DNA position 1809, G replaced by A.
Protein change: p.Ala603=; no amino-acid change (alanine 603 retained).
Molecular consequence: synonymous variant.
Genome position (GRCh38, 1-based): chr4:54,277,410, G>A. VCF-style: chr4-54277410-G-A. GRCh37 (hg19) VCF-style: chr4-55143577-G-A.
Other names: p.Ala603=; c.1809G>A, p.Ala603= (NM_001347827.2, NM_001347829.2); c.1884G>A, p.Ala628= (NM_001347828.2); c.1848G>A, p.Ala616= (NM_001347830.2).
Identifiers: ClinVar variation 259950 (VCV000259950.25), dbSNP rs10028020, ClinGen allele CA2922686.